The following is an entry in ClinVar:

ClinVar aggregate classification (germline): Uncertain significance (1 of 4 stars; one submission).

Submission:

CeGaT Center for Human Genetics Tuebingen
Classification: Uncertain significance. Last evaluated: 2025-07-01. Review status: criteria provided, single submitter. Criteria: CeGaT Center For Human Genetics Tuebingen Variant Classification Criteria Version 2. Collection method: clinical testing. Allele origin: germline. Affected: yes. Observed: 1 variant allele.
Comment: CRTAP: PM2, BP4

NM_006371.5(CRTAP):c.923-3T>C

Gene: CRTAP (cartilage associated protein; plus strand). Cytogenetic location: 3p22.3.
Variant type: single nucleotide variant.
Coding change: c.923-3T>C on transcript NM_006371.5 (MANE Select); 3 bases into the intron before coding-DNA position 923, T replaced by C.
Molecular consequence: intron variant.
Genome position (GRCh38, 1-based): chr3:33,132,552, T>C. VCF-style: chr3-33132552-T-C. GRCh37 (hg19) VCF-style: chr3-33174044-T-C.
Other names: c.923-3T>C (NM_001393363.1); c.794-3T>C (NM_001393364.1); c.773-3T>C (NM_001393365.1).
Identifiers: ClinVar variation 4085808 (VCV004085808.8).